The following is an entry in ClinVar:

NM_000159.4(GCDH):c.508A>G (p.Lys170Glu)

Gene: GCDH (glutaryl-CoA dehydrogenase; plus strand). Cytogenetic location: 19p13.13.
Variant type: single nucleotide variant.
Coding change: c.508A>G on transcript NM_000159.4 (MANE Select); coding-DNA position 508, A replaced by G.
Protein change: p.Lys170Glu; replaces lysine 170 with glutamic acid.
Molecular consequence: missense variant. On other transcripts: non-coding transcript variant (2).
Genome position (GRCh38, 1-based): chr19:12,895,994, A>G. VCF-style: chr19-12895994-A-G. GRCh37 (hg19) VCF-style: chr19-13006808-A-G.
Other names: c.508A>G, p.Lys170Glu (NM_013976.5); short protein forms K170E.
Identifiers: ClinVar variation 3895776 (VCV003895776.1).

ClinVar aggregate classification (germline): Uncertain significance (1 of 4 stars; one submission).

Submission:

Women's Health and Genetics/Laboratory Corporation of America, LabCorp
Classification: Uncertain significance. Last evaluated: 2025-03-07. Review status: criteria provided, single submitter. Criteria: LabCorp Variant Classification Summary - May 2015. Collection method: clinical testing. Allele origin: germline.
Comment: Variant summary: GCDH c.508A>G (p.Lys170Glu) results in a conservative amino acid change in the encoded protein sequence. Three of five in-silico tools predict a benign effect of the variant on protein function. Consensus agreement among computation tools predict no significant impact on normal splicing. However, these predictions have yet to be confirmed by functional studies. The variant was absent in 251158 control chromosomes. The available data on variant occurrences in the general population are insufficient to allow any conclusion about variant significance. c.508A>G has been reported in the literature in one individual affected with Glutaric Acidemia Type 1 (Wen_2012). These report(s) do not provide unequivocal conclusions about association of the variant with Glutaric Acidemia Type 1. To our knowledge, no experimental evidence demonstrating an impact on protein function has been reported. The following publications have been ascertained in the context of this evaluation (PMID: 37020324, 23225040). No submitters have cited clinical-significance assessments for this variant to ClinVar. Based on the evidence outlined above, the variant was classified as uncertain significance.

Literature cited by the submitters: PubMed 23225040; PubMed 37020324.